The following is an entry in ClinVar:

ClinVar aggregate classification (germline): Uncertain significance. Review status: criteria provided, multiple submitters, no conflicts (2 of 4 stars). 2 submissions from 2 submitters: Uncertain significance (2). Last evaluated 2024-04-25.

Conditions:
Primary ciliary dyskinesia. Also called: Ciliary dyskinesia. Identifiers: Orphanet 244, MedGen C0008780, MONDO:0016575, HP:0012265.

Submissions (2):

Labcorp Genetics (formerly Invitae), Labcorp
Classification: Uncertain significance for Primary ciliary dyskinesia. Last evaluated: 2024-04-25. Review status: criteria provided, single submitter. Criteria: Invitae Variant Classification Sherloc (09022015). Collection method: clinical testing. Allele origin: germline.
Comment: This sequence change replaces glutamine, which is neutral and polar, with arginine, which is basic and polar, at codon 3607 of the DNAH5 protein (p.Gln3607Arg). This variant is not present in population databases (gnomAD no frequency). This missense change has been observed in individual(s) with clinical features of DNAH5-related conditions (Invitae). ClinVar contains an entry for this variant (Variation ID: 2311842). Advanced modeling of protein sequence and biophysical properties (such as structural, functional, and spatial information, amino acid conservation, physicochemical variation, residue mobility, and thermodynamic stability) has been performed at Invitae for this missense variant, however the output from this modeling did not meet the statistical confidence thresholds required to predict the impact of this variant on DNAH5 protein function. In summary, the available evidence is currently insufficient to determine the role of this variant in disease. Therefore, it has been classified as a Variant of Uncertain Significance.

Ambry Genetics
Classification: Uncertain significance for Primary ciliary dyskinesia. Last evaluated: 2022-09-14. Review status: criteria provided, single submitter. Criteria: Ambry Variant Classification Scheme 2023. Collection method: clinical testing. Allele origin: germline.

NM_001369.3(DNAH5):c.10820A>G (p.Gln3607Arg)

Gene: DNAH5 (dynein axonemal heavy chain 5; minus strand). Cytogenetic location: 5p15.2.
Variant type: single nucleotide variant.
Coding change: c.10820A>G on transcript NM_001369.3 (MANE Select); coding-DNA position 10820, A replaced by G.
Protein change: p.Gln3607Arg; replaces glutamine 3607 with arginine.
Molecular consequence: missense variant.
Genome position (GRCh38, 1-based): chr5:13,753,285, T>C on the plus strand (A>G on the coding strand, the complement: DNAH5 is on the minus strand). VCF-style: chr5-13753285-T-C. GRCh37 (hg19) VCF-style: chr5-13753394-T-C.
Other names: short protein forms Q3607R.
Identifiers: ClinVar variation 2311842 (VCV002311842.4), dbSNP rs1165094543, ClinGen allele CA359191020.
Genomic context (GRCh38, chr5:13,753,285, plus strand): 5'-CAAATTACCTGGAGTTCATTTCGGCTTTCTTTATTTTTAATCCAGATCTTGCCTTGAGTC[T>C]GTGGATCAATTAACAAAGGGTAACGAGATGCCTTCGTGACAATAATTCCATTTTGAATGG-3'
Protein context (NP_001360.1, residues 3597-3617): ASRYPLLIDP[Gln3607Arg]TQGKIWIKNK